The following is an entry in ClinVar:

NM_033380.3(COL4A5):c.1006_1007insAACA (p.Thr336fs)

Gene: COL4A5 (collagen type IV alpha 5 chain; plus strand). Cytogenetic location: Xq22.3.
Variant type: Insertion.
Coding change: c.1006_1007insAACA on transcript NM_033380.3 (MANE Select); coding-DNA positions 1006 to 1007, AACA inserted.
Protein change: p.Thr336fs; shifts the reading frame from threonine 336.
Molecular consequence: frameshift variant.
Genome position: GRCh38 VCF-style: chrX-108584496-G-GACAA. GRCh37 (hg19) VCF-style: chrX-107827726-G-GACAA.
Other names: c.1006_1007insAACA, p.Thr336fs (NM_000495.5); short protein forms T336fs.
Identifiers: ClinVar variation 2742728 (VCV002742728.3), dbSNP rs2524260004, ClinGen allele CA2697544710.
Genomic context (GRCh38, chrX:108,584,496, plus strand): 5'-TGTTTTCATGTGAATTTTACTAACCTATTTTACAATTGCATTGAACAGGGCCAAAAAGGT[G>GACAA]ACACTGGCCCACCTGGACCTCCTGGACTTGTAAGTTTTTTTTTTTTAGTCTTCGTTTATC-3'

ClinVar aggregate classification (germline): Pathogenic (1 of 4 stars; one submission).

Submission:

Labcorp Genetics (formerly Invitae), Labcorp
Classification: Pathogenic. Last evaluated: 2023-08-07. Review status: criteria provided, single submitter. Criteria: Invitae Variant Classification Sherloc (09022015). Collection method: clinical testing. Allele origin: germline.
Comment: This sequence change creates a premature translational stop signal (p.Thr336Lysfs*14) in the COL4A5 gene. It is expected to result in an absent or disrupted protein product. Loss-of-function variants in COL4A5 are known to be pathogenic (PMID: 9195222, 10752524, 14514738, 24854265, 26809805). This variant is not present in population databases (gnomAD no frequency). This variant has not been reported in the literature in individuals affected with COL4A5-related conditions. For these reasons, this variant has been classified as Pathogenic.

Literature cited by the submitters: PubMed 9195222; PubMed 10752524; PubMed 14514738; PubMed 24854265; PubMed 26809805.